The following is an entry in ClinVar:

NM_006206.6(PDGFRA):c.2943T>C (p.Arg981=)

Gene: PDGFRA (platelet derived growth factor receptor alpha; plus strand). Cytogenetic location: 4q12.
Variant type: single nucleotide variant.
Coding change: c.2943T>C on transcript NM_006206.6 (MANE Select); coding-DNA position 2943, T replaced by C.
Protein change: p.Arg981=; no amino-acid change (arginine 981 retained).
Molecular consequence: synonymous variant.
Genome position (GRCh38, 1-based): chr4:54,290,375, T>C. VCF-style: chr4-54290375-T-C. GRCh37 (hg19) VCF-style: chr4-55156542-T-C.
Other names: p.Arg981=; c.3018T>C, p.Arg1006= (NM_001347828.2); c.2943T>C, p.Arg981= (NM_001347829.2); c.2982T>C, p.Arg994= (NM_001347830.2).
Identifiers: ClinVar variation 4684786 (VCV004684786.1).

ClinVar aggregate classification (germline): Likely benign (1 of 4 stars; one submission).

Submission:

Mayo Clinic Laboratories, Mayo Clinic
Classification: Likely benign. Last evaluated: 2025-12-12. Review status: criteria provided, single submitter. Criteria: ACMG Guidelines, 2015. Collection method: clinical testing. Allele origin: germline. Observed: 1 variant allele.
Comment: BP4, BP7